The following is an entry in ClinVar:

NM_001379500.1(COL18A1):c.3446_3447delinsTA (p.Ala1149Val)

Genes: COL18A1 (collagen type XVIII alpha 1 chain; plus strand), SLC19A1 (solute carrier family 19 member 1; minus strand). Cytogenetic location: 21q22.3.
Variant type: Indel.
Coding change: c.3446_3447delinsTA on transcript NM_001379500.1 (MANE Select); coding-DNA positions 3446 to 3447, CG replaced by TA.
Protein change: p.Ala1149Val; replaces alanine 1149 with valine.
Molecular consequence: missense variant.
Genome position (GRCh38, 1-based): chr21:45,509,552-45,509,553, CG replaced by TA. VCF-style: chr21-45509552-CG-TA. GRCh37 (hg19) VCF-style: chr21-46929466-CG-TA.
Other names: c.3977_3978delinsTA, p.Ala1326Val (NM_030582.4); c.4682_4683delinsTA, p.Ala1561Val (NM_130444.3); short protein forms A1326V, A1149V, A1561V.
Identifiers: ClinVar variation 2098312 (VCV002098312.4), dbSNP rs2517848094, ClinGen allele CA2580098918.

ClinVar aggregate classification (germline): Uncertain significance (1 of 4 stars; one submission).

Submission:

Labcorp Genetics (formerly Invitae), Labcorp
Classification: Uncertain significance. Last evaluated: 2022-02-18. Review status: criteria provided, single submitter. Criteria: Invitae Variant Classification Sherloc (09022015). Collection method: clinical testing. Allele origin: germline.
Comment: In summary, the available evidence is currently insufficient to determine the role of this variant in disease. Therefore, it has been classified as a Variant of Uncertain Significance. Experimental studies and prediction algorithms are not available or were not evaluated, and the functional significance of this variant is currently unknown. This variant has not been reported in the literature in individuals affected with COL18A1-related conditions. This variant is present in population databases (no rsID available, gnomAD 0.06%). This sequence change replaces alanine, which is neutral and non-polar, with valine, which is neutral and non-polar, at codon 1146 of the COL18A1 protein (p.Ala1146Val).